The following is an entry in ClinVar:

NM_017433.5(MYO3A):c.1193C>A (p.Ser398Ter)

Gene: MYO3A (myosin IIIA; plus strand). Cytogenetic location: 10p12.1.
Variant type: single nucleotide variant.
Coding change: c.1193C>A on transcript NM_017433.5 (MANE Select); coding-DNA position 1193, C replaced by A.
Protein change: p.Ser398Ter; replaces serine 398 with a stop codon.
Molecular consequence: nonsense.
Genome position (GRCh38, 1-based): chr10:26,070,133, C>A. VCF-style: chr10-26070133-C-A. GRCh37 (hg19) VCF-style: chr10-26359062-C-A.
Other names: c.1193C>A (NM_017433.4); short protein forms S398*.
Identifiers: ClinVar variation 2443380 (VCV002443380.7), dbSNP rs769540160, ClinGen allele CA5444588.

ClinVar aggregate classification (germline): Pathogenic/Likely pathogenic. Review status: criteria provided, multiple submitters, no conflicts (2 of 4 stars). 4 submissions from 4 submitters: Pathogenic (2); Likely pathogenic (1). 1 of the submissions does not count toward it. Last evaluated 2026-08-04.

Conditions:
Hearing loss, autosomal dominant 90. Also called: Deafness, autosomal dominant 90. Identifiers: MedGen C5935579, MONDO:0958232, OMIM 620722.
MYO3A-related disorder. Also called: MYO3A-related condition.

Allele frequency attached by ClinVar (database versions not stated): ExAC 0.00003; gnomAD 0.00004 and 0.00003; gnomAD exomes 0.00003; TOPMed 0.00003.
gnomAD v4.1: 64 of 1,610,748 alleles (0.004%); highest among the groups gnomAD compares: Middle Eastern, 0.016%; no homozygotes.

Submissions (4):

GeneDx
Classification: Likely pathogenic. Last evaluated: 2026-08-04. Review status: criteria provided, single submitter. Criteria: GeneDx Variant Classification Process June 2021. Collection method: clinical testing. Allele origin: germline.
Comment: Nonsense variant predicted to result in protein truncation or nonsense mediated decay in a gene for which loss of function is a known mechanism of disease; This variant is associated with the following publications: (PMID: 27068579)

Laboratory of Prof. Karen Avraham, Tel Aviv University
Classification: Pathogenic for Hearing loss, autosomal dominant 90. Last evaluated: 2026-01-13. Review status: criteria provided, single submitter. Criteria: ACMG Guidelines, 2015. Collection method: research. Allele origin: germline. Inheritance: Autosomal dominant inheritance. Affected: yes. Observed: 1 heterozygote.

Labcorp Genetics (formerly Invitae), Labcorp
Classification: Pathogenic. Last evaluated: 2024-12-16. Review status: criteria provided, single submitter. Criteria: Invitae Variant Classification Sherloc (09022015). Collection method: clinical testing. Allele origin: germline.
Comment: This sequence change creates a premature translational stop signal (p.Ser398*) in the MYO3A gene. It is expected to result in an absent or disrupted protein product. Loss-of-function variants in MYO3A are known to be pathogenic (PMID: 12032315, 23990876). This variant is present in population databases (rs769540160, gnomAD 0.01%). This premature translational stop signal has been observed in individual(s) with autosomal recessive deafness (PMID: 27068579). ClinVar contains an entry for this variant (Variation ID: 2443380). Algorithms developed to predict the effect of sequence changes on RNA splicing suggest that this variant may disrupt the consensus splice site. For these reasons, this variant has been classified as Pathogenic.

PreventionGenetics, part of Exact Sciences
Classification: Pathogenic for MYO3A-related condition. Last evaluated: 2023-10-28. Review status: no assertion criteria provided. Collection method: clinical testing. Allele origin: germline. Not counted in ClinVar's aggregate classification.
Comment: The MYO3A c.1193C>A variant is predicted to result in premature protein termination (p.Ser398*). This variant has been reported in an individual with non-syndromic hearing loss (Table S1, Sommen et al. 2016. PubMed ID: 27068579). This variant is reported in 0.0097% of alleles in individuals of Ashkenazi Jewish descent in gnomAD. Nonsense variants in MYO3A are expected to be pathogenic. This variant is interpreted as pathogenic.

Literature cited by the submitters: PubMed 12032315 (cited by Labcorp Genetics (formerly Invitae), Labcorp); PubMed 23990876 (cited by Labcorp Genetics (formerly Invitae), Labcorp); PubMed 27068579 (cited by Labcorp Genetics (formerly Invitae), Labcorp).